The following is an entry in ClinVar:

ClinVar aggregate classification (germline): Benign. Review status: criteria provided, multiple submitters, no conflicts (2 of 4 stars). 3 submissions from 3 submitters: Benign (2). 1 of the submissions does not count toward it. Last evaluated 2025-12-26.

Conditions:
IGSF10-related disorder. Also called: IGSF10-related condition.

Allele frequency attached by ClinVar (database versions not stated): TOPMed 0.01282; gnomAD 0.01298; ESP Exome Variant Server 0.01340; 1000 Genomes Project 0.01418; 1000 Genomes Project 30x 0.01468.
gnomAD v4.1: 3,681 of 1,593,896 alleles (0.23%); highest among the groups gnomAD compares: African/African-American, 4.3%; 67 homozygotes.

Submissions (3):

Labcorp Genetics (formerly Invitae), Labcorp
Classification: Benign. Last evaluated: 2025-12-26. Review status: criteria provided, single submitter. Criteria: Invitae Variant Classification Sherloc (09022015). Collection method: clinical testing. Allele origin: germline.

Breakthrough Genomics
Classification: Benign. Review status: criteria provided, single submitter. Criteria: ACMG Guidelines, 2015. Collection method: not provided. Allele origin: germline. Inheritance: Unknown mechanism. Affected: yes.

PreventionGenetics, part of Exact Sciences
Classification: Benign for IGSF10-related condition. Last evaluated: 2019-02-21. Review status: no assertion criteria provided. Collection method: clinical testing. Allele origin: germline. Not counted in ClinVar's aggregate classification.
Comment: This variant is classified as benign based on ACMG/AMP sequence variant interpretation guidelines (Richards et al. 2015 PMID: 25741868, with internal and published modifications).

NM_178822.5(IGSF10):c.371C>T (p.Thr124Ile)

Gene: IGSF10 (immunoglobulin superfamily member 10; minus strand). Cytogenetic location: 3q25.1.
Variant type: single nucleotide variant.
Coding change: c.371C>T on transcript NM_178822.5 (MANE Select); coding-DNA position 371, C replaced by T.
Protein change: p.Thr124Ile; replaces threonine 124 with isoleucine.
Molecular consequence: missense variant.
Genome position (GRCh38, 1-based): chr3:151,453,728, G>A on the plus strand (C>T on the coding strand, the complement: IGSF10 is on the minus strand). VCF-style: chr3-151453728-G-A. GRCh37 (hg19) VCF-style: chr3-151171516-G-A.
Other names: c.371C>T, p.Thr124Ile (NM_001385060.1, NM_001385061.1, NM_001385062.1 and 1 more transcripts); short protein forms T124I.
Identifiers: ClinVar variation 785069 (VCV000785069.12), dbSNP rs35953658, ClinGen allele CA2670774.